The following is an entry in ClinVar:

NM_014956.5(CEP164):c.338A>G (p.Lys113Arg)

Gene: CEP164 (centrosomal protein 164; plus strand). Cytogenetic location: 11q23.3.
Variant type: single nucleotide variant.
Coding change: c.338A>G on transcript NM_014956.5 (MANE Select); coding-DNA position 338, A replaced by G.
Protein change: p.Lys113Arg; replaces lysine 113 with arginine.
Molecular consequence: missense variant.
Genome position (GRCh38, 1-based): chr11:117,351,933, A>G. VCF-style: chr11-117351933-A-G. GRCh37 (hg19) VCF-style: chr11-117222649-A-G.
Other names: c.338A>G (NM_014956.4); c.338A>G, p.Lys113Arg (NM_001271933.2); short protein forms K113R.
Identifiers: ClinVar variation 1026843 (VCV001026843.12), dbSNP rs77118839, ClinGen allele CA6294405.

ClinVar aggregate classification (germline): Conflicting classifications of pathogenicity. Review status: criteria provided, conflicting classifications (1 of 4 stars). 5 submissions from 5 submitters: Uncertain significance (4); Likely benign (1). Last evaluated 2026-04-20.

Conditions:
CEP164-related disorder. Also called: CEP164-related condition.
Inborn genetic diseases. Identifiers: MedGen C0950123, MeSH D030342.
Nephronophthisis 15 (NPHP15). Identifiers: Orphanet 3156, MedGen C3541853, MONDO:0013917, OMIM 614845.

Allele frequency attached by ClinVar (database versions not stated): gnomAD exomes 0.00002 and 0.00008; ExAC 0.00015; TOPMed 0.00015; gnomAD 0.00018; 1000 Genomes Project 0.00020.
gnomAD v4.1: 79 of 1,571,470 alleles (0.005%); highest among the groups gnomAD compares: African/African-American, 0.075%; no homozygotes.

Submissions (5):

PreventionGenetics, part of Exact Sciences
Classification: Uncertain significance for CEP164-related condition. Last evaluated: 2026-04-20. Review status: criteria provided, single submitter. Criteria: ACMG Guidelines, 2015. Collection method: clinical testing. Allele origin: germline.
Comment: The CEP164 c.338A>G variant is predicted to result in the amino acid substitution p.Lys113Arg. To our knowledge, this variant has not been reported in the literature. This variant is reported in 0.092% of alleles in individuals of African descent in gnomAD. Although we suspect that this variant may be benign, at this time, the clinical significance of this variant is uncertain due to the absence of conclusive functional and genetic evidence.

Labcorp Genetics (formerly Invitae), Labcorp
Classification: Uncertain significance for Nephronophthisis 15. Last evaluated: 2025-09-09. Review status: criteria provided, single submitter. Criteria: Invitae Variant Classification Sherloc (09022015). Collection method: clinical testing. Allele origin: germline.
Comment: This sequence change replaces lysine, which is basic and polar, with arginine, which is basic and polar, at codon 113 of the CEP164 protein (p.Lys113Arg). The frequency data for this variant in the population databases is considered unreliable, as metrics indicate poor data quality at this position in the gnomAD database. This variant has not been reported in the literature in individuals affected with CEP164-related conditions. ClinVar contains an entry for this variant (Variation ID: 1026843). An algorithm developed to predict the effect of missense changes on protein structure and function outputs the following: PolyPhen-2: "Benign". The arginine amino acid residue is found in multiple mammalian species, which suggests that this missense change does not adversely affect protein function. In summary, the available evidence is currently insufficient to determine the role of this variant in disease. Therefore, it has been classified as a Variant of Uncertain Significance.

Ambry Genetics
Classification: Uncertain significance for Inborn genetic diseases. Last evaluated: 2025-08-09. Review status: criteria provided, single submitter. Criteria: Ambry Variant Classification Scheme 2023. Collection method: clinical testing. Allele origin: germline.

Blueprint Genetics
Classification: Likely benign. Last evaluated: 2024-01-19. Review status: criteria provided, single submitter. Criteria: ACMG Guidelines, 2015. Collection method: clinical testing. Allele origin: germline.

Fulgent Genetics
Classification: Uncertain significance for Nephronophthisis 15. Last evaluated: 2021-09-13. Review status: criteria provided, single submitter. Criteria: ACMG Guidelines, 2015. Collection method: clinical testing. Allele origin: unknown.